The following is an entry in ClinVar:

NM_019066.5(MAGEL2):c.2970C>T (p.Pro990=)

Gene: MAGEL2 (MAGE family member L2; minus strand). Cytogenetic location: 15q11.2.
Variant type: single nucleotide variant.
Coding change: c.2970C>T on transcript NM_019066.5 (MANE Select); coding-DNA position 2970, C replaced by T.
Protein change: p.Pro990=; no amino-acid change (proline 990 retained).
Molecular consequence: synonymous variant.
Genome position (GRCh38, 1-based): chr15:23,644,773, G>A on the plus strand (C>T on the coding strand, the complement: MAGEL2 is on the minus strand). VCF-style: chr15-23644773-G-A. GRCh37 (hg19) VCF-style: chr15-23889920-G-A.
Identifiers: ClinVar variation 2644981 (VCV002644981.24), dbSNP rs376987796, ClinGen allele CA7429778.

ClinVar aggregate classification (germline): Likely benign (1 of 4 stars; one submission).

Allele frequency attached by ClinVar (database versions not stated): TOPMed 0.00001; ESP Exome Variant Server 0.00008.
gnomAD v4.1: 41 of 1,613,680 alleles (0.0025%); highest among the groups gnomAD compares: Middle Eastern, 0.033%; no homozygotes.

Submission:

CeGaT Center for Human Genetics Tuebingen
Classification: Likely benign. Last evaluated: 2023-09-01. Review status: criteria provided, single submitter. Criteria: CeGaT Center For Human Genetics Tuebingen Variant Classification Criteria Version 2. Collection method: clinical testing. Allele origin: germline. Affected: yes. Observed: 1 variant allele.
Comment: MAGEL2: BP4, BP7